The following is an entry in ClinVar:

NM_007194.4(CHEK2):c.818A>T (p.Glu273Val)

Gene: CHEK2 (checkpoint kinase 2; minus strand). Cytogenetic location: 22q12.1.
Variant type: single nucleotide variant.
Coding change: c.818A>T on transcript NM_007194.4 (MANE Select); coding-DNA position 818, A replaced by T.
Protein change: p.Glu273Val; replaces glutamic acid 273 with valine.
Molecular consequence: missense variant.
Genome position (GRCh38, 1-based): chr22:28,710,034, T>A on the plus strand (A>T on the coding strand, the complement: CHEK2 is on the minus strand). VCF-style: chr22-28710034-T-A. GRCh37 (hg19) VCF-style: chr22-29106022-T-A.
Other names: c.947A>T, p.Glu316Val (NM_001005735.3); c.155A>T, p.Glu52Val (NM_001257387.3); c.617A>T, p.Glu206Val (NM_001349956.3); c.818A>T, p.Glu273Val (NM_145862.3); short protein forms E273V, E206V, E52V, E316V.
Identifiers: ClinVar variation 568236 (VCV000568236.9), dbSNP rs755666375, ClinGen allele CA411102416.

ClinVar aggregate classification (germline): Uncertain significance. Review status: criteria provided, multiple submitters, no conflicts (2 of 4 stars). 2 submissions from 2 submitters: Uncertain significance (2). Last evaluated 2024-09-04.

Conditions:
Hereditary cancer-predisposing syndrome. Also called: Neoplastic Syndromes, Hereditary; Tumor predisposition; Hereditary neoplastic syndrome; Hereditary Cancer Syndrome. Identifiers: Orphanet 140162, MedGen C0027672, MeSH D009386, MONDO:0015356.
Familial cancer of breast. Also called: BREAST CANCER, FAMILIAL; Hereditary breast cancer; hereditary breast carcinoma. Identifiers: Orphanet 227535, MedGen C0346153, MONDO:0016419, OMIM 114480. Disease mechanism: loss of function.

Submissions (2):

Labcorp Genetics (formerly Invitae), Labcorp
Classification: Uncertain significance for Familial cancer of breast. Last evaluated: 2024-09-04. Review status: criteria provided, single submitter. Criteria: Invitae Variant Classification Sherloc (09022015). Collection method: clinical testing. Allele origin: germline.
Comment: This sequence change replaces glutamic acid, which is acidic and polar, with valine, which is neutral and non-polar, at codon 273 of the CHEK2 protein (p.Glu273Val). This variant is not present in population databases (gnomAD no frequency). This variant has not been reported in the literature in individuals affected with CHEK2-related conditions. ClinVar contains an entry for this variant (Variation ID: 568236). An algorithm developed to predict the effect of missense changes on protein structure and function (PolyPhen-2) suggests that this variant is likely to be disruptive. In summary, the available evidence is currently insufficient to determine the role of this variant in disease. Therefore, it has been classified as a Variant of Uncertain Significance.

Ambry Genetics
Classification: Uncertain significance for Hereditary cancer-predisposing syndrome. Last evaluated: 2023-06-16. Review status: criteria provided, single submitter. Criteria: Ambry Variant Classification Scheme 2023. Collection method: clinical testing. Allele origin: germline.
Comment: The p.E273V variant (also known as c.818A>T), located in coding exon 6 of the CHEK2 gene, results from an A to T substitution at nucleotide position 818. The glutamic acid at codon 273 is replaced by valine, an amino acid with dissimilar properties. This amino acid position is conserved. In addition, this alteration is predicted to be deleterious by in silico analysis. Since supporting evidence is limited at this time, the clinical significance of this alteration remains unclear.